The following is an entry in ClinVar:

ClinVar aggregate classification (germline): Uncertain significance (1 of 4 stars; one submission).

gnomAD v4.1: 2 of 1,614,206 alleles (0.00012%); highest among the groups gnomAD compares: Middle Eastern, 0.033%; no homozygotes.

Submission:

Labcorp Genetics (formerly Invitae), Labcorp
Classification: Uncertain significance. Last evaluated: 2022-12-16. Review status: criteria provided, single submitter. Criteria: Invitae Variant Classification Sherloc (09022015). Collection method: clinical testing. Allele origin: germline.
Comment: This sequence change replaces phenylalanine, which is neutral and non-polar, with tyrosine, which is neutral and polar, at codon 265 of the KCNJ13 protein (p.Phe265Tyr). This variant is not present in population databases (gnomAD no frequency). This variant has not been reported in the literature in individuals affected with KCNJ13-related conditions. Advanced modeling of protein sequence and biophysical properties (such as structural, functional, and spatial information, amino acid conservation, physicochemical variation, residue mobility, and thermodynamic stability) performed at Invitae indicates that this missense variant is not expected to disrupt KCNJ13 protein function. In summary, the available evidence is currently insufficient to determine the role of this variant in disease. Therefore, it has been classified as a Variant of Uncertain Significance.

NM_002242.4(KCNJ13):c.794T>A (p.Phe265Tyr)

Genes: GIGYF2 (GRB10 interacting GYF protein 2; plus strand), KCNJ13 (potassium inwardly rectifying channel subfamily J member 13; minus strand). Cytogenetic location: 2q37.1.
Variant type: single nucleotide variant.
Coding change: c.794T>A on transcript NM_002242.4 (MANE Select); coding-DNA position 794, T replaced by A.
Protein change: p.Phe265Tyr; replaces phenylalanine 265 with tyrosine.
Molecular consequence: missense variant. On other transcripts: 3 prime UTR variant (1), intron variant (4).
Genome position (GRCh38, 1-based): chr2:232,768,480, A>T on the plus strand (T>A on the coding strand, the complement: KCNJ13 is on the minus strand). VCF-style: chr2-232768480-A-T. GRCh37 (hg19) VCF-style: chr2-233633190-A-T.
Other names: c.*273T>A (NM_001172416.1); c.554T>A, p.Phe185Tyr (NM_001172417.1); c.532+7044A>T (NM_001103146.3, NM_015575.4, NM_001103147.2 and 1 more transcripts); short protein forms F185Y, F265Y.
Identifiers: ClinVar variation 2821344 (VCV002821344.3), dbSNP rs1407691972, ClinGen allele CA351009054.